The following is an entry in ClinVar:

ClinVar aggregate classification (germline): Benign. Review status: criteria provided, multiple submitters, no conflicts (2 of 4 stars). 3 submissions from 3 submitters: Benign (2). 1 of the submissions does not count toward it. Last evaluated 2026-02-02.

Allele frequency attached by ClinVar (database versions not stated): 1000 Genomes Project 0.18091; gnomAD 0.15149 and 0.15750; ExAC 0.07676; TOPMed 0.16769; 1000 Genomes Project 30x 0.18957; ESP Exome Variant Server 0.16416.
gnomAD v4.1: 76,358 of 1,612,278 alleles (4.7%); highest among the groups gnomAD compares: African/African-American, 46%; 9,481 homozygotes.

Submissions (3):

Labcorp Genetics (formerly Invitae), Labcorp
Classification: Benign. Last evaluated: 2026-02-02. Review status: criteria provided, single submitter. Criteria: Invitae Variant Classification Sherloc (09022015). Collection method: clinical testing. Allele origin: germline.

Breakthrough Genomics
Classification: Benign. Review status: criteria provided, single submitter. Criteria: ACMG Guidelines, 2015. Collection method: not provided. Allele origin: germline. Inheritance: Autosomal dominant inheritance. Affected: yes.

ITMI
No classification provided. Condition: AllHighlyPenetrant. Last evaluated: 2013-09-19. Review status: no classification provided. Collection method: reference population. Allele origin: germline. Not counted in ClinVar's aggregate classification.
Comment: Please see associated publication for description of ethnicities

Literature cited by the submitters: PubMed 24728327 (cited by ITMI).

NM_170606.3(KMT2C):c.1577G>C (p.Arg526Pro)

Gene: KMT2C (lysine methyltransferase 2C; minus strand). Cytogenetic location: 7q36.1.
Variant type: single nucleotide variant.
Coding change: c.1577G>C on transcript NM_170606.3 (MANE Select); coding-DNA position 1577, G replaced by C.
Protein change: p.Arg526Pro; replaces arginine 526 with proline.
Molecular consequence: missense variant.
Genome position (GRCh38, 1-based): chr7:152,251,983, C>G on the plus strand (G>C on the coding strand, the complement: KMT2C is on the minus strand). VCF-style: chr7-152251983-C-G. GRCh37 (hg19) VCF-style: chr7-151949068-C-G.
Other names: short protein forms R526P.
Identifiers: ClinVar variation 134740 (VCV000134740.11), dbSNP rs3735156, ClinGen allele CA160653.
Genomic context (GRCh38, chr7:152,251,983, plus strand): 5'-TCATTCTCAAATTTACCTGTAGTGAGCTCAGCTATCTCCACTTCCTCACCTGGCTGTAAA[C>G]GATCCATCTCAGCTCCCAGGTGTTTACAATACATGCAGATATACTCTTCTTTGAGCTGAG-3'
Protein context (NP_733751.2, residues 516-536): YCKHLGAEMD[Arg526Pro]LQPGEEVEIA